The following is an entry in ClinVar:

ClinVar aggregate classification (germline): Likely benign (0 of 4 stars; one submission).

Conditions:
CYLD-related disorder. Also called: CYLD-related condition.

Allele frequency attached by ClinVar (database versions not stated): ExAC 0.00001; gnomAD exomes 0.00002; TOPMed 0.00002; ESP Exome Variant Server 0.00008.
gnomAD v4.1: 26 of 1,614,178 alleles (0.0016%); highest among the groups gnomAD compares: East Asian, 0.0022%; no homozygotes.

Submission:

PreventionGenetics, part of Exact Sciences
Classification: Likely benign for CYLD-related condition. Last evaluated: 2022-10-10. Review status: no assertion criteria provided. Collection method: clinical testing. Allele origin: germline.
Comment: This variant is classified as likely benign based on ACMG/AMP sequence variant interpretation guidelines (Richards et al. 2015 PMID: 25741868, with internal and published modifications).

NM_001378743.1(CYLD):c.2553C>T (p.His851=)

Genes: CYLD (CYLD lysine 63 deubiquitinase; plus strand), CYLD-AS2 (CYLD antisense RNA 2; minus strand). Cytogenetic location: 16q12.1.
Variant type: single nucleotide variant.
Coding change: c.2553C>T on transcript NM_001378743.1 (MANE Select); coding-DNA position 2553, C replaced by T.
Protein change: p.His851=; no amino-acid change (histidine 851 retained).
Molecular consequence: synonymous variant. On other transcripts: non-coding transcript variant (1).
Genome position (GRCh38, 1-based): chr16:50,794,295, C>T. VCF-style: chr16-50794295-C-T. GRCh37 (hg19) VCF-style: chr16-50828206-C-T.
Other names: c.2544C>T, p.His848= (NM_001042355.2, NM_001042412.3, NM_001378744.1 and 6 more transcripts); c.2514C>T, p.His838= (NM_001378751.1, NM_001378752.1, NM_001378753.1); c.1878C>T, p.His626= (NM_001378754.1, NM_001378755.1); c.2553C>T, p.His851= (NM_015247.3).
Identifiers: ClinVar variation 3047958 (VCV003047958.2), dbSNP rs370020837, ClinGen allele CA8052663.
Genomic context (GRCh38, chr16:50,794,295, plus strand): 5'-GAATCATAAATATAACCCAGTGTCACTTCCCAAAGACTTACCCGACTGGGACTGGAGACA[C>T]GGCTGCATCCCTTGCCAGAATATGGAGTTATTTGCTGTTCTCTGCATAGAAACAAGCCAC-3'
Protein context (NP_001365672.1, residues 841-861): PKDLPDWDWR[His851=]GCIPCQNMEL